The following is an entry in ClinVar:

ClinVar aggregate classification (germline): Uncertain significance (1 of 4 stars; one submission).

gnomAD v4.1: 2 of 1,613,514 alleles (0.00012%); highest among the groups gnomAD compares: Non-Finnish European, 0.00017%; no homozygotes.

Submission:

Labcorp Genetics (formerly Invitae), Labcorp
Classification: Uncertain significance. Last evaluated: 2025-02-20. Review status: criteria provided, single submitter. Criteria: Invitae Variant Classification Sherloc (09022015). Collection method: clinical testing. Allele origin: germline.
Comment: This sequence change falls in intron 1 of the UROD gene. It does not directly change the encoded amino acid sequence of the UROD protein. This variant is not present in population databases (gnomAD no frequency). This variant has not been reported in the literature in individuals affected with UROD-related conditions. ClinVar contains an entry for this variant (Variation ID: 1961857). Algorithms developed to predict the effect of sequence changes on RNA splicing suggest that this variant may disrupt the consensus splice site. In summary, the available evidence is currently insufficient to determine the role of this variant in disease. Therefore, it has been classified as a Variant of Uncertain Significance.

NM_000374.5(UROD):c.21-17C>G

Gene: UROD (uroporphyrinogen decarboxylase; plus strand). Cytogenetic location: 1p34.1.
Variant type: single nucleotide variant.
Coding change: c.21-17C>G on transcript NM_000374.5 (MANE Select); 17 bases into the intron before coding-DNA position 21, C replaced by G.
Molecular consequence: intron variant. On other transcripts: non-coding transcript variant (2).
Genome position (GRCh38, 1-based): chr1:45,012,890, C>G. VCF-style: chr1-45012890-C-G. GRCh37 (hg19) VCF-style: chr1-45478562-C-G.
Identifiers: ClinVar variation 1961857 (VCV001961857.5), dbSNP rs377193477, ClinGen allele CA21794596.
Genomic context (GRCh38, chr1:45,012,890, plus strand): 5'-GGCCTTATGAACCCGCGCTTTCCCCAGCCTCCAGCGTAGCATACTGACACCTACCCCCAC[C>G]CCCACCTGATCGCCAGACCTCAGGGTTTTCCGGAGCTGAAGAATGACACATTCCTGCGAG-3'